The following is an entry in ClinVar:

ClinVar aggregate classification (germline): Uncertain significance (1 of 4 stars; one submission).

Conditions:
Hereditary hyperekplexia. Identifiers: Orphanet 3197, MedGen C4084968, MONDO:0021022.

Submission:

Labcorp Genetics (formerly Invitae), Labcorp
Classification: Uncertain significance for Hereditary hyperekplexia. Last evaluated: 2021-05-14. Review status: criteria provided, single submitter. Criteria: Invitae Variant Classification Sherloc (09022015). Collection method: clinical testing. Allele origin: germline.
Comment: In summary, the available evidence is currently insufficient to determine the role of this variant in disease. Therefore, it has been classified as a Variant of Uncertain Significance. Nucleotide substitutions within the consensus splice site are a relatively common cause of aberrant splicing (PMID: 17576681, 9536098). Algorithms developed to predict the effect of sequence changes on RNA splicing suggest that this variant may disrupt the consensus splice site, but this prediction has not been confirmed by published transcriptional studies. This variant has not been reported in the literature in individuals with GLRA1-related conditions. This variant is not present in population databases (ExAC no frequency). This sequence change falls in intron 5 of the GLRA1 gene. It does not directly change the encoded amino acid sequence of the GLRA1 protein. It affects a nucleotide within the consensus splice site of the intron.

Literature cited by the submitters: PubMed 17576681; PubMed 9536098.

NC_000005.10:g.151856298CA[3]

Gene: GLRA1 (glycine receptor alpha 1; minus strand). Cytogenetic location: 5q33.1.
Variant type: Microsatellite.
Genome position: GRCh38 VCF-style: chr5-151856297-T-TCA. GRCh37 (hg19) VCF-style: chr5-151235858-T-TCA.
Identifiers: ClinVar variation 1522696 (VCV001522696.6), ClinGen allele CA2578460492.